The following is an entry in ClinVar:

NM_000257.4(MYH7):c.5076G>A (p.Val1692=)

Genes: MHRT (myosin heavy chain associated RNA transcript; plus strand), MYH7 (myosin heavy chain 7; minus strand), LOC126861897 (BRD4-independent group 4 enhancer GRCh37_chr14:23884455-23885654; plus strand). Cytogenetic location: 14q11.2.
Variant type: single nucleotide variant.
Coding change: c.5076G>A on transcript NM_000257.4 (MANE Select); coding-DNA position 5076, G replaced by A.
Protein change: p.Val1692=; no amino-acid change (valine 1692 retained).
Molecular consequence: synonymous variant. On other transcripts: non-coding transcript variant (1).
Genome position (GRCh38, 1-based): chr14:23,415,710, C>T on the plus strand (G>A on the coding strand, the complement: MYH7 is on the minus strand). VCF-style: chr14-23415710-C-T. GRCh37 (hg19) VCF-style: chr14-23884919-C-T.
Other names: c.5076G>A (NM_000257.3).
Identifiers: ClinVar variation 1045666 (VCV001045666.11), dbSNP rs781334634, ClinGen allele CA045244.

ClinVar aggregate classification (germline): Likely benign. Review status: criteria provided, single submitter (1 of 4 stars). 2 submissions from 2 submitters: Likely benign (1). 1 of the submissions does not count toward it. Last evaluated 2023-04-15.

Conditions:
MYH7-related disorder. Also called: MYH7-related condition; MYH7-related disease; MYH7-related disorders.
Hypertrophic cardiomyopathy. Also called: HYPERTROPHIC MYOCARDIOPATHY. Identifiers: Orphanet 217569, MedGen C0007194, MeSH D002312, MONDO:0005045, HP:0001639.

Allele frequency attached by ClinVar (database versions not stated): ExAC 0.00001; gnomAD 0.00001; gnomAD exomes 0.00001 and 0.00002; TOPMed 0.00001.
gnomAD v4.1: 7 of 1,614,074 alleles (0.00043%); highest among the groups gnomAD compares: Admixed American, 0.0067%; no homozygotes.

Submissions (2):

Labcorp Genetics (formerly Invitae), Labcorp
Classification: Likely benign for Hypertrophic cardiomyopathy. Last evaluated: 2023-04-15. Review status: criteria provided, single submitter. Criteria: Invitae Variant Classification Sherloc (09022015). Collection method: clinical testing. Allele origin: germline.

PreventionGenetics, part of Exact Sciences
Classification: Likely benign for MYH7-related condition. Last evaluated: 2020-06-12. Review status: no assertion criteria provided. Collection method: clinical testing. Allele origin: germline. Not counted in ClinVar's aggregate classification.
Comment: This variant is classified as likely benign based on ACMG/AMP sequence variant interpretation guidelines (Richards et al. 2015 PMID: 25741868, with internal and published modifications).